The following is an entry in ClinVar:

NM_001374736.1(DST):c.608C>A (p.Ala203Glu)

Genes: DST-AS1 (DST antisense RNA 1; plus strand), DST (dystonin; minus strand). Cytogenetic location: 6p12.1.
Variant type: single nucleotide variant.
Coding change: c.608C>A on transcript NM_001374736.1 (MANE Select); coding-DNA position 608, C replaced by A.
Protein change: p.Ala203Glu; replaces alanine 203 with glutamic acid.
Molecular consequence: missense variant.
Genome position (GRCh38, 1-based): chr6:56,851,414, G>T on the plus strand (C>A on the coding strand, the complement: DST is on the minus strand). VCF-style: chr6-56851414-G-T. GRCh37 (hg19) VCF-style: chr6-56716212-G-T.
Other names: c.608C>A, p.Ala203Glu (NM_001144769.5, NM_001374722.1); c.194C>A, p.Ala65Glu (NM_001144770.2); c.635C>A, p.Ala212Glu (NM_001374734.1); short protein forms A203E, A65E, A212E.
Identifiers: ClinVar variation 559660 (VCV000559660.5), dbSNP rs201871537, ClinGen allele CA139715099.

ClinVar aggregate classification (germline): Pathogenic/Likely pathogenic. Review status: no assertion criteria provided (0 of 4 stars). 2 submissions from 2 submitters: Pathogenic (1); Likely pathogenic (1). Last evaluated 2021-10-15.

Conditions:
Hereditary sensory and autonomic neuropathy type 6. Also called: HSAN VI; Neuropathy, hereditary sensory and autonomic, type VI. Identifiers: Orphanet 314381, MedGen C3539003, MONDO:0013839, OMIM 614653.

Allele frequency attached by ClinVar (database versions not stated): gnomAD exomes below 0.00001.
gnomAD v4.1: 4 of 1,613,218 alleles (0.00025%); highest among the groups gnomAD compares: Non-Finnish European, 0.00034%; no homozygotes.

Submissions (2):

OMIM
Classification: Pathogenic for NEUROPATHY, HEREDITARY SENSORY AND AUTONOMIC, TYPE VI. Last evaluated: 2021-10-15. Review status: no assertion criteria provided. Collection method: literature only. Allele origin: germline.

Medical Genetics Unit, University of L'Aquila
Classification: Likely pathogenic for Hereditary sensory and autonomic neuropathy type 6. Last evaluated: 2018-08-14. Review status: no assertion criteria provided. Collection method: clinical testing. Allele origin: germline. Inheritance: Autosomal recessive inheritance. Affected: yes. Observed: 2 compound heterozygotes.
Comment: This variant (NM_001144769.2:c.608C>A) is seen in compound heterozygosity with the other allele (c.12988A>T).

Literature cited by the submitters: PubMed 30371979 (cited by OMIM).